The following is an entry in ClinVar:

ClinVar aggregate classification (germline): Uncertain significance. Review status: criteria provided, multiple submitters, no conflicts (2 of 4 stars). 2 submissions from 2 submitters: Uncertain significance (2). Last evaluated 2025-09-08.

Conditions:
Inborn genetic diseases. Identifiers: MedGen C0950123, MeSH D030342.

gnomAD v4.1: 5 of 1,450,092 alleles (0.00034%); highest among the groups gnomAD compares: Non-Finnish European, 0.00036%; no homozygotes.

Submissions (2):

Labcorp Genetics (formerly Invitae), Labcorp
Classification: Uncertain significance. Last evaluated: 2025-09-08. Review status: criteria provided, single submitter. Criteria: Invitae Variant Classification Sherloc (09022015). Collection method: clinical testing. Allele origin: germline.
Comment: This sequence change replaces tyrosine, which is neutral and polar, with cysteine, which is neutral and slightly polar, at codon 100 of the LEMD3 protein (p.Tyr100Cys). This variant is present in population databases (no rsID available, gnomAD 0.006%). This variant has not been reported in the literature in individuals affected with LEMD3-related conditions. ClinVar contains an entry for this variant (Variation ID: 2303651). An algorithm developed to predict the effect of missense changes on protein structure and function (PolyPhen-2) suggests that this variant is likely to be tolerated. In summary, the available evidence is currently insufficient to determine the role of this variant in disease. Therefore, it has been classified as a Variant of Uncertain Significance.

Ambry Genetics
Classification: Uncertain significance for Inborn genetic diseases. Last evaluated: 2022-07-26. Review status: criteria provided, single submitter. Criteria: Ambry Variant Classification Scheme 2023. Collection method: clinical testing. Allele origin: germline.

NM_014319.5(LEMD3):c.299A>G (p.Tyr100Cys)

Genes: LEMD3 (LEM domain containing 3; plus strand), LOC130008224 (ATAC-STARR-seq lymphoblastoid silent region 4630; plus strand). Cytogenetic location: 12q14.3.
Variant type: single nucleotide variant.
Coding change: c.299A>G on transcript NM_014319.5 (MANE Select); coding-DNA position 299, A replaced by G.
Protein change: p.Tyr100Cys; replaces tyrosine 100 with cysteine.
Molecular consequence: missense variant.
Genome position (GRCh38, 1-based): chr12:65,169,895, A>G. VCF-style: chr12-65169895-A-G. GRCh37 (hg19) VCF-style: chr12-65563675-A-G.
Other names: c.299A>G, p.Tyr100Cys (NM_001167614.2); short protein forms Y100C.
Identifiers: ClinVar variation 2303651 (VCV002303651.3), dbSNP rs768667554, ClinGen allele CA238907674.
Genomic context (GRCh38, chr12:65,169,895, plus strand): 5'-GACCAGCGGCGGCGGCGGCCGCGGGGATGGGGGTCCGGCCGGTCTCGGGCGACCTCTCCT[A>G]CTTACGGACTCCTGGGGGCCTGTGCCGAATCTCGGCCTCTGGCCCAGAGAGCCTCCTGGG-3'
Protein context (NP_055134.2, residues 90-110): GVRPVSGDLS[Tyr100Cys]LRTPGGLCRI